The following is an entry in ClinVar:

ClinVar aggregate classification (germline): Uncertain significance (1 of 4 stars; one submission).

gnomAD v4.1: 5 of 1,587,560 alleles (0.00031%); highest among the groups gnomAD compares: Non-Finnish European, 0.00043%; no homozygotes.

Submission:

Ambry Genetics
Classification: Uncertain significance. Last evaluated: 2024-12-29. Review status: criteria provided, single submitter. Criteria: Ambry Variant Classification Scheme 2023. Collection method: clinical testing. Allele origin: germline.
Comment: The p.K404N variant (also known as c.1212G>T), located in coding exon 11 of the GEN1 gene, results from a G to T substitution at nucleotide position 1212. The lysine at codon 404 is replaced by asparagine, an amino acid with similar properties. This amino acid position is conserved. In addition, this alteration is predicted to be tolerated by in silico analysis. Based on the available evidence, the clinical significance of this variant remains unclear.

NM_001130009.3(GEN1):c.1212G>T (p.Lys404Asn)

Gene: GEN1 (GEN1 Holliday junction 5' flap endonuclease; plus strand). Cytogenetic location: 2p24.2.
Variant type: single nucleotide variant.
Coding change: c.1212G>T on transcript NM_001130009.3 (MANE Select); coding-DNA position 1212, G replaced by T.
Protein change: p.Lys404Asn; replaces lysine 404 with asparagine.
Molecular consequence: missense variant.
Genome position (GRCh38, 1-based): chr2:17,778,011, G>T. VCF-style: chr2-17778011-G-T. GRCh37 (hg19) VCF-style: chr2-17959278-G-T.
Other names: c.1212G>T, p.Lys404Asn (NM_182625.5); short protein forms K404N.
Identifiers: ClinVar variation 3853468 (VCV003853468.1).